The following is an entry in ClinVar:

NM_000059.4(BRCA2):c.9593G>C (p.Cys3198Ser)

Gene: BRCA2 (BRCA2 DNA repair associated; plus strand). Cytogenetic location: 13q13.1.
Variant type: single nucleotide variant.
Coding change: c.9593G>C on transcript NM_000059.4 (MANE Select); coding-DNA position 9593, G replaced by C.
Protein change: p.Cys3198Ser; replaces cysteine 3198 with serine.
Molecular consequence: missense variant. On other transcripts: non-coding transcript variant (1).
Genome position (GRCh38, 1-based): chr13:32,396,989, G>C. VCF-style: chr13-32396989-G-C. GRCh37 (hg19) VCF-style: chr13-32971126-G-C.
Other names: c.9497G>C, p.Cys3166Ser (NM_001406719.1); c.9542G>C, p.Cys3181Ser (NM_001406720.1); c.4661G>C, p.Cys1554Ser (NM_001406721.1); c.3176G>C, p.Cys1059Ser (NM_001406722.1); c.9593G>C, p.Cys3198Ser (NM_001432077.1); short protein forms C3198S, C1059S, C3166S, C3181S, C1554S.
Identifiers: ClinVar variation 3825396 (VCV003825396.1).

ClinVar aggregate classification (germline): Uncertain significance (1 of 4 stars; one submission).

Conditions:
Hereditary cancer-predisposing syndrome. Also called: Hereditary neoplastic syndrome; Neoplastic Syndromes, Hereditary; Tumor predisposition; Hereditary Cancer Syndrome. Identifiers: Orphanet 140162, MedGen C0027672, MeSH D009386, MONDO:0015356.

gnomAD v4.1: 1 of 1,614,054 alleles (0.000062%); highest among the groups gnomAD compares: Non-Finnish European, 0.000085%; no homozygotes.

Submission:

Ambry Genetics
Classification: Uncertain significance for Hereditary cancer-predisposing syndrome. Last evaluated: 2024-12-17. Review status: criteria provided, single submitter. Criteria: Ambry Variant Classification Scheme 2023. Collection method: clinical testing. Allele origin: germline.
Comment: The p.C3198S variant (also known as c.9593G>C), located in coding exon 25 of the BRCA2 gene, results from a G to C substitution at nucleotide position 9593. The cysteine at codon 3198 is replaced by serine, an amino acid with dissimilar properties. This amino acid position is conserved. In addition, this alteration is predicted to be tolerated by in silico analysis. Based on the available evidence, the clinical significance of this variant remains unclear.